The following is an entry in ClinVar:

ClinVar aggregate classification (germline): Uncertain significance (1 of 4 stars; one submission).

Allele frequency attached by ClinVar (database versions not stated): ExAC 0.00001; TOPMed 0.00004; gnomAD 0.00005; gnomAD exomes 0.00005.
gnomAD v4.1: 80 of 1,611,036 alleles (0.005%); highest among the groups gnomAD compares: Non-Finnish European, 0.0064%; no homozygotes.

Submission:

Clinical Genomics Laboratory, Washington University in St. Louis
Classification: Uncertain significance. Last evaluated: 2024-01-29. Review status: criteria provided, single submitter. Criteria: ACMG Guidelines, 2015. Collection method: clinical testing. Allele origin: germline. Affected: yes.
Comment: The COL22A1 c.1704G>A (p.Arg568=) variant, to our knowledge, has not been reported in the medical literature and is only observed on 6/282664 alleles in the general population (gnomAD v.2.1.1), indicating it is not a common variant. This variant occurs in the last nucleotide of the exon, a highly conserved position. Computational predictors indicate that this variant would alter splicing, evidence that correlates to an impact of this variant on COL22A1 function. Skipping of this exon would be predicted to result in an in-frame product lacking 18 amino acids. Due to limited information, the clinical significance of this variant is uncertain.

NM_152888.3(COL22A1):c.1704G>A (p.Arg568=)

Gene: COL22A1 (collagen type XXII alpha 1 chain; minus strand). Cytogenetic location: 8q24.23.
Variant type: single nucleotide variant.
Coding change: c.1704G>A on transcript NM_152888.3 (MANE Select); coding-DNA position 1704, G replaced by A.
Protein change: p.Arg568=; no amino-acid change (arginine 568 retained).
Molecular consequence: synonymous variant.
Genome position (GRCh38, 1-based): chr8:138,779,509, C>T on the plus strand (G>A on the coding strand, the complement: COL22A1 is on the minus strand). VCF-style: chr8-138779509-C-T. GRCh37 (hg19) VCF-style: chr8-139791752-C-T.
Identifiers: ClinVar variation 3236624 (VCV003236624.1), dbSNP rs773983717, ClinGen allele CA4891850.